The following is an entry in ClinVar:

NM_001005242.3(PKP2):c.1489G>A (p.Gly497Arg)

Gene: PKP2 (plakophilin 2; minus strand). Cytogenetic location: 12p11.21.
Variant type: single nucleotide variant.
Coding change: c.1489G>A on transcript NM_001005242.3 (MANE Select); coding-DNA position 1489, G replaced by A.
Protein change: p.Gly497Arg; replaces glycine 497 with arginine.
Molecular consequence: missense variant.
Genome position (GRCh38, 1-based): chr12:32,841,095, C>T on the plus strand (G>A on the coding strand, the complement: PKP2 is on the minus strand). VCF-style: chr12-32841095-C-T. GRCh37 (hg19) VCF-style: chr12-32994029-C-T.
Other names: c.1621G>A, p.Gly541Arg (NM_004572.4); c.1621G>A (NM_004572.3); short protein forms G541R, G497R.
Identifiers: ClinVar variation 1482957 (VCV001482957.7), dbSNP rs2137830279, ClinGen allele CA384367588.

ClinVar aggregate classification (germline): Uncertain significance. Review status: criteria provided, multiple submitters, no conflicts (2 of 4 stars). 2 submissions from 2 submitters: Uncertain significance (2). Last evaluated 2025-12-11.

Conditions:
Cardiovascular phenotype. Identifiers: MedGen CN230736.
Arrhythmogenic right ventricular dysplasia 9 (ARVD9). Also called: Arrhythmogenic Right Ventricular Dysplasia/Cardiomyopathy 9; ARRHYTHMOGENIC RIGHT VENTRICULAR DYSPLASIA, FAMILIAL, 9. Identifiers: MedGen C1836906, MONDO:0012180, OMIM 609040.

Allele frequency attached by ClinVar (database versions not stated): gnomAD exomes below 0.00001.
gnomAD v4.1: 3 of 1,613,644 alleles (0.00019%); highest among the groups gnomAD compares: Non-Finnish European, 0.00025%; no homozygotes.

Submissions (2):

Ambry Genetics
Classification: Uncertain significance for Cardiovascular phenotype. Last evaluated: 2025-12-11. Review status: criteria provided, single submitter. Criteria: Ambry Variant Classification Scheme 2023. Collection method: clinical testing. Allele origin: germline.
Comment: The p.G541R variant (also known as c.1621G>A), located in coding exon 7 of the PKP2 gene, results from a G to A substitution at nucleotide position 1621. The glycine at codon 541 is replaced by arginine, an amino acid with dissimilar properties. This amino acid position is conserved. In addition, this alteration is predicted to be tolerated by in silico analysis. Based on the available evidence, the clinical significance of this variant remains unclear.

Labcorp Genetics (formerly Invitae), Labcorp
Classification: Uncertain significance for Arrhythmogenic right ventricular dysplasia 9. Last evaluated: 2021-08-19. Review status: criteria provided, single submitter. Criteria: Invitae Variant Classification Sherloc (09022015). Collection method: clinical testing. Allele origin: germline.
Comment: In summary, the available evidence is currently insufficient to determine the role of this variant in disease. Therefore, it has been classified as a Variant of Uncertain Significance. Algorithms developed to predict the effect of sequence changes on RNA splicing suggest that this variant may create or strengthen a splice site. Algorithms developed to predict the effect of missense changes on protein structure and function are either unavailable or do not agree on the potential impact of this missense change (SIFT: "Deleterious"; PolyPhen-2: "Benign"; Align-GVGD: "Class C65"). This variant has not been reported in the literature in individuals affected with PKP2-related conditions. This variant is not present in population databases (ExAC no frequency). This sequence change replaces glycine with arginine at codon 541 of the PKP2 protein (p.Gly541Arg). The glycine residue is highly conserved and there is a moderate physicochemical difference between glycine and arginine.